The following is an entry in ClinVar:

NM_014989.7(RIMS1):c.1319G>T (p.Gly440Val)

Gene: RIMS1 (regulating synaptic membrane exocytosis 1; plus strand). Cytogenetic location: 6q13.
Variant type: single nucleotide variant.
Coding change: c.1319G>T on transcript NM_014989.7 (MANE Select); coding-DNA position 1319, G replaced by T.
Protein change: p.Gly440Val; replaces glycine 440 with valine.
Molecular consequence: missense variant.
Genome position (GRCh38, 1-based): chr6:72,182,790, G>T. VCF-style: chr6-72182790-G-T. GRCh37 (hg19) VCF-style: chr6-72892493-G-T.
Other names: short protein forms G440V.
Identifiers: ClinVar variation 2836516 (VCV002836516.3), dbSNP rs994521153, ClinGen allele CA141417542.

ClinVar aggregate classification (germline): Uncertain significance (1 of 4 stars; one submission).

Allele frequency attached by ClinVar (database versions not stated): gnomAD 0.00001.
gnomAD v4.1: 6 of 1,546,224 alleles (0.00039%); highest among the groups gnomAD compares: Middle Eastern, 0.034%; no homozygotes.

Submission:

Labcorp Genetics (formerly Invitae), Labcorp
Classification: Uncertain significance. Last evaluated: 2025-06-25. Review status: criteria provided, single submitter. Criteria: Invitae Variant Classification Sherloc (09022015). Collection method: clinical testing. Allele origin: germline.
Comment: This sequence change replaces glycine, which is neutral and non-polar, with valine, which is neutral and non-polar, at codon 440 of the RIMS1 protein (p.Gly440Val). This variant is not present in population databases (gnomAD no frequency). This variant has not been reported in the literature in individuals affected with RIMS1-related conditions. ClinVar contains an entry for this variant (Variation ID: 2836516). An algorithm developed to predict the effect of missense changes on protein structure and function outputs the following: PolyPhen-2: "Benign". The valine amino acid residue is found in multiple mammalian species, which suggests that this missense change does not adversely affect protein function. In summary, the available evidence is currently insufficient to determine the role of this variant in disease. Therefore, it has been classified as a Variant of Uncertain Significance.